The following is an entry in ClinVar:

ClinVar aggregate classification (germline): Uncertain significance. Review status: criteria provided, single submitter (1 of 4 stars). 2 submissions from 2 submitters: Uncertain significance (1). 1 of the submissions does not count toward it. Last evaluated 2024-10-15.

Conditions:
Retinitis pigmentosa 25 (RP25). Identifiers: Orphanet 791, MedGen C1864446, MONDO:0011272, OMIM 602772.

Allele frequency attached by ClinVar (database versions not stated): gnomAD exomes below 0.00001; gnomAD 0.00001; TOPMed 0.00001.
gnomAD v4.1: 7 of 1,551,176 alleles (0.00045%); highest among the groups gnomAD compares: Non-Finnish European, 0.00061%; no homozygotes.

Submissions (2):

Labcorp Genetics (formerly Invitae), Labcorp
Classification: Uncertain significance. Last evaluated: 2024-10-15. Review status: criteria provided, single submitter. Criteria: Invitae Variant Classification Sherloc (09022015). Collection method: clinical testing. Allele origin: germline.
Comment: This sequence change replaces alanine, which is neutral and non-polar, with glycine, which is neutral and non-polar, at codon 1614 of the EYS protein (p.Ala1614Gly). This variant is not present in population databases (gnomAD no frequency). This variant has not been reported in the literature in individuals affected with EYS-related conditions. ClinVar contains an entry for this variant (Variation ID: 1004205). Invitae Evidence Modeling of protein sequence and biophysical properties (such as structural, functional, and spatial information, amino acid conservation, physicochemical variation, residue mobility, and thermodynamic stability) indicates that this missense variant is not expected to disrupt EYS protein function with a negative predictive value of 80%. In summary, the available evidence is currently insufficient to determine the role of this variant in disease. Therefore, it has been classified as a Variant of Uncertain Significance.

Natera, Inc.
Classification: Uncertain significance for Retinitis pigmentosa type 25. Last evaluated: 2021-05-18. Review status: no assertion criteria provided. Collection method: clinical testing. Allele origin: germline. Not counted in ClinVar's aggregate classification.

NM_001142800.2(EYS):c.4841C>G (p.Ala1614Gly)

Gene: EYS (EGF-like photoreceptor maintenance factor; minus strand). Cytogenetic location: 6q12.
Variant type: single nucleotide variant.
Coding change: c.4841C>G on transcript NM_001142800.2 (MANE Select); coding-DNA position 4841, C replaced by G.
Protein change: p.Ala1614Gly; replaces alanine 1614 with glycine.
Molecular consequence: missense variant.
Genome position (GRCh38, 1-based): chr6:64,591,026, G>C on the plus strand (C>G on the coding strand, the complement: EYS is on the minus strand). VCF-style: chr6-64591026-G-C. GRCh37 (hg19) VCF-style: chr6-65300919-G-C.
Other names: c.4841C>G, p.Ala1614Gly (NM_001292009.2); short protein forms A1614G.
Identifiers: ClinVar variation 1004205 (VCV001004205.5), dbSNP rs1312195779, ClinGen allele CA364782415.
Genomic context (GRCh38, chr6:64,591,026, plus strand): 5'-TTTTTAGAAGGAAATAAAGATGGCACTTCTGTGAATGCCACTGATGGTGTTATTTCAGTA[G>C]CAGAAGAAAATGAATGCCCAGAAGTGATAGTTTGAGCTCCCATTAGTGCATACCAGCTGG-3'
Protein context (NP_001136272.1, residues 1604-1624): TITSGHSFSS[Ala1614Gly]TEITPSVAFT